The following is an entry in ClinVar:

ClinVar aggregate classification (germline): Pathogenic (1 of 4 stars; one submission).

Submission:

GeneDx
Classification: Pathogenic. Last evaluated: 2013-06-23. Review status: criteria provided, single submitter. Criteria: GeneDx Variant Classification (06012015). Collection method: clinical testing. Allele origin: germline. Affected: yes.
Comment: p.Gln283Arg (CAG>CGG): c.848 A>G in exon 6 of the SLC2A1 gene (NM_006516.2)The Gln283Arg missense change has not been published as a mutation, nor has it been reported as a benign polymorphism to our knowledge. It was not observed in approximately 6,500 individuals of European and African American ancestry in the NHLBI Exome Sequencing Project, indicating it is not a common benign variant in these populations. The amino acid substitution is non-conservative, as an uncharged Glutamine residue is replaced by a positively charged Arginine residue. It alters a highly conserved position in the seventh transmembrane domain of the protein, and other missense mutations have been reported in this region of the protein in association with Glut1-DS. Additionally, multiple in silico algorithms predict Gln283Arg may be damaging to protein structure/function. This variant has been observed de novo without verified parentage. The variant is found in EPILEPSY panel(s).

NM_006516.4(SLC2A1):c.848A>G (p.Gln283Arg)

Gene: SLC2A1 (solute carrier family 2 member 1; minus strand). Cytogenetic location: 1p34.2.
Variant type: single nucleotide variant.
Coding change: c.848A>G on transcript NM_006516.4 (MANE Select); coding-DNA position 848, A replaced by G.
Protein change: p.Gln283Arg; replaces glutamine 283 with arginine.
Molecular consequence: missense variant.
Genome position (GRCh38, 1-based): chr1:42,929,612, T>C on the plus strand (A>G on the coding strand, the complement: SLC2A1 is on the minus strand). VCF-style: chr1-42929612-T-C. GRCh37 (hg19) VCF-style: chr1-43395283-T-C.
Other names: p.Q283R:CAG>CGG; short protein forms Q283R.
Identifiers: ClinVar variation 207197 (VCV000207197.2), dbSNP rs796053251, ClinGen allele CA318440.